The following is an entry in ClinVar:

ClinVar aggregate classification (germline): Uncertain significance. Review status: criteria provided, multiple submitters, no conflicts (2 of 4 stars). 2 submissions from 2 submitters: Uncertain significance (2). Last evaluated 2025-07-09.

Allele frequency attached by ClinVar (database versions not stated): TOPMed below 0.00001; ExAC 0.00001; gnomAD exomes 0.00001.
gnomAD v4.1: 5 of 1,613,858 alleles (0.00031%); highest among the groups gnomAD compares: East Asian, 0.011%; no homozygotes.

Submissions (2):

Labcorp Genetics (formerly Invitae), Labcorp
Classification: Uncertain significance. Last evaluated: 2025-07-09. Review status: criteria provided, single submitter. Criteria: Invitae Variant Classification Sherloc (09022015). Collection method: clinical testing. Allele origin: germline.
Comment: This sequence change replaces valine, which is neutral and non-polar, with alanine, which is neutral and non-polar, at codon 355 of the USH2A protein (p.Val355Ala). This variant is present in population databases (rs746683099, gnomAD 0.02%). This variant has not been reported in the literature in individuals affected with USH2A-related conditions. ClinVar contains an entry for this variant (Variation ID: 2627233). Invitae Evidence Modeling of protein sequence and biophysical properties (such as structural, functional, and spatial information, amino acid conservation, physicochemical variation, residue mobility, and thermodynamic stability) indicates that this missense variant is not expected to disrupt USH2A protein function with a negative predictive value of 95%. In summary, the available evidence is currently insufficient to determine the role of this variant in disease. Therefore, it has been classified as a Variant of Uncertain Significance.

Women's Health and Genetics/Laboratory Corporation of America, LabCorp
Classification: Uncertain significance. Last evaluated: 2023-09-14. Review status: criteria provided, single submitter. Criteria: LabCorp Variant Classification Summary - May 2015. Collection method: clinical testing. Allele origin: germline.
Comment: Variant summary: USH2A c.1064T>C (p.Val355Ala) results in a non-conservative amino acid change located in the laminin, N-terminal domain (IPR008211) of the encoded protein sequence. Three of five in-silico tools predict a damaging effect of the variant on protein function. The variant allele was found at a frequency of 1.2e-05 in 251014 control chromosomes (gnomAD). The available data on variant occurrences in the general population are insufficient to allow any conclusion about variant significance. c.1064T>C has been reported in the literature in the heterozygous state in an individual affected with high myopia (Wan_2018). This report does not provide unequivocal conclusions about association of the variant with Usher Syndrome. To our knowledge, no experimental evidence demonstrating an impact on protein function has been reported. The following publication has been ascertained in the context of this evaluation (PMID: 30245926). No submitters have cited clinical-significance assessments for this variant to ClinVar after 2014. Based on the evidence outlined above, the variant was classified as uncertain significance.

Literature cited by the submitters: PubMed 30245926 (cited by Women's Health and Genetics/Laboratory Corporation of America, LabCorp).

NM_206933.4(USH2A):c.1064T>C (p.Val355Ala)

Gene: USH2A (usherin; minus strand). Cytogenetic location: 1q41.
Variant type: single nucleotide variant.
Coding change: c.1064T>C on transcript NM_206933.4 (MANE Select); coding-DNA position 1064, T replaced by C.
Protein change: p.Val355Ala; replaces valine 355 with alanine.
Molecular consequence: missense variant.
Genome position (GRCh38, 1-based): chr1:216,325,384, A>G on the plus strand (T>C on the coding strand, the complement: USH2A is on the minus strand). VCF-style: chr1-216325384-A-G. GRCh37 (hg19) VCF-style: chr1-216498726-A-G.
Other names: c.1064T>C, p.Val355Ala (NM_007123.6); short protein forms V355A.
Identifiers: ClinVar variation 2627233 (VCV002627233.2), dbSNP rs746683099, ClinGen allele CA1396610.